The following is an entry in ClinVar:

ClinVar aggregate classification (germline): Conflicting classifications of pathogenicity. Review status: criteria provided, conflicting classifications (1 of 4 stars). 5 submissions from 5 submitters: Uncertain significance (4); Likely benign (1). Last evaluated 2026-06-12.

Conditions:
TTN-related disorder. Also called: TTN-related condition; TTN-related disease; TTN-related disorders.
Dilated cardiomyopathy 1G (CMD1G). Identifiers: Orphanet 154, MedGen C1858763, MONDO:0011400, OMIM 604145.
Autosomal recessive limb-girdle muscular dystrophy type 2J (LGMDR10). Also called: Limb-girdle muscular dystrophy, type 2J; MUSCULAR DYSTROPHY, LIMB-GIRDLE, AUTOSOMAL RECESSIVE 10. Identifiers: Orphanet 140922, MedGen C1837342, MONDO:0012127, OMIM 608807.

Allele frequency attached by ClinVar (database versions not stated): gnomAD 0.00010.

Submissions (5):

Women's Health and Genetics/Laboratory Corporation of America, LabCorp
Classification: Uncertain significance. Last evaluated: 2026-06-12. Review status: criteria provided, single submitter. Criteria: LabCorp Variant Classification Summary - May 2015. Collection method: clinical testing. Allele origin: germline.
Comment: Variant summary: TTN NM_133378 c.31491A>T (p.Glu10497Asp), also known as NM_001267550 c.36708A>T (p.Glu12236Asp), results in a conservative amino acid change located in the I-band of the encoded protein sequence. Algorithms developed to predict the effect of missense changes on protein structure and function all suggest that this variant is likely to be tolerated. The frequency data for this variant in gnomAD is considered unreliable, as metrics indicate poor data quality at this position. c.31491A>T has been reported in the literature in individuals affected with hypertrophic cardiomyopathy or sudden unexplained death without evidence of causality (examples: Lopes_2013, Campuzano_2015). These report(s) do not provide unequivocal conclusions about association of the variant with Dilated Cardiomyopathy. To our knowledge, no experimental evidence demonstrating an impact on protein function has been reported. The following publications have been ascertained in the context of this evaluation (PMID: 26516846, 23396983). ClinVar contains an entry for this variant (Variation ID: 283437). Based on the evidence outlined above, the variant was classified as uncertain significance.

PreventionGenetics, part of Exact Sciences
Classification: Uncertain significance for TTN-related condition. Last evaluated: 2025-08-15. Review status: criteria provided, single submitter. Criteria: ACMG Guidelines, 2015. Collection method: clinical testing. Allele origin: germline.
Comment: The TTN c.36708A>T variant is predicted to result in the amino acid substitution p.Glu12236Asp. This variant has been reported in a cohort study of individuals with hypertrophic cardiomyopathy (Table S1, Reported as c.31491A>T (p.Glu10497Asp), Lopes et al. 2013. PubMed ID: 233969830) and in an individual with sudden unexpected death (Table S1, Reported as c.31491A>T (p.Glu10497Asp), Campuzano et al. 2015. PubMed ID: 26516846). However, neither of these studies provided additional support of pathogenicity. This variant is reported in 0.036% of alleles in individuals of Latino descent in gnomAD. Although we suspect that this variant may be benign, at this time, the clinical significance of this variant is uncertain due to the absence of conclusive functional and genetic evidence.

GeneDx
Classification: Likely benign. Last evaluated: 2017-11-22. Review status: criteria provided, single submitter. Criteria: GeneDx Variant Classification (06012015). Collection method: clinical testing. Allele origin: germline. Affected: yes.
Comment: This variant is considered likely benign or benign based on one or more of the following criteria: it is a conservative change, it occurs at a poorly conserved position in the protein, it is predicted to be benign by multiple in silico algorithms, and/or has population frequency not consistent with disease.

Labcorp Genetics (formerly Invitae), Labcorp
Classification: Uncertain significance for Dilated cardiomyopathy 1G; Autosomal recessive limb-girdle muscular dystrophy type 2J. Last evaluated: 2016-08-30. Review status: criteria provided, single submitter. Criteria: Invitae Variant Classification Sherloc (09022015). Collection method: clinical testing. Allele origin: germline.

Eurofins Ntd Llc (ga)
Classification: Uncertain significance. Last evaluated: 2016-06-14. Review status: criteria provided, single submitter. Criteria: EGL Classification Definitions 2015. Collection method: clinical testing. Allele origin: germline. Observed: 9 variant alleles, 1 heterozygote.

Literature cited by the submitters: PubMed 23396983 (cited by Women's Health and Genetics/Laboratory Corporation of America, LabCorp); PubMed 26516846 (cited by Women's Health and Genetics/Laboratory Corporation of America, LabCorp).

NM_001267550.2(TTN):c.36708A>T (p.Glu12236Asp)

Gene: TTN (titin; minus strand). Cytogenetic location: 2q31.2.
Variant type: single nucleotide variant.
Coding change: c.36708A>T on transcript NM_001267550.2 (MANE Select); coding-DNA position 36708, A replaced by T.
Protein change: p.Glu12236Asp; replaces glutamic acid 12236 with aspartic acid.
Molecular consequence: missense variant. On other transcripts: intron variant (3).
Genome position (GRCh38, 1-based): chr2:178,663,048, T>A on the plus strand (A>T on the coding strand, the complement: TTN is on the minus strand). VCF-style: chr2-178663048-T-A. GRCh37 (hg19) VCF-style: chr2-179527775-T-A.
Other names: c.34272A>T, p.Glu11424Asp (NM_001256850.1); c.31491A>T, p.Glu10497Asp (NM_133378.4); c.13283-20731A>T (NM_003319.4); c.13859-20731A>T (NM_133437.4); c.13658-20731A>T (NM_133432.3); short protein forms E10497D, E12236D, E11424D.
Identifiers: ClinVar variation 283437 (VCV000283437.11), dbSNP rs796478043, ClinGen allele CA10604489.